The following is an entry in ClinVar:

ClinVar aggregate classification (germline): Uncertain significance. Review status: criteria provided, multiple submitters, no conflicts (2 of 4 stars). 2 submissions from 2 submitters: Uncertain significance (2). Last evaluated 2025-08-07.

Allele frequency attached by ClinVar (database versions not stated): ExAC 0.00007.
gnomAD v4.1: 96 of 1,613,936 alleles (0.0059%); highest among the groups gnomAD compares: Admixed American, 0.013%; no homozygotes.

Submissions (2):

Labcorp Genetics (formerly Invitae), Labcorp
Classification: Uncertain significance. Last evaluated: 2025-08-07. Review status: criteria provided, single submitter. Criteria: Invitae Variant Classification Sherloc (09022015). Collection method: clinical testing. Allele origin: germline.
Comment: This sequence change replaces lysine, which is basic and polar, with arginine, which is basic and polar, at codon 499 of the MCM4 protein (p.Lys499Arg). This variant is present in population databases (rs199504131, gnomAD 0.02%). This variant has not been reported in the literature in individuals affected with MCM4-related conditions. ClinVar contains an entry for this variant (Variation ID: 1366570). Invitae Evidence Modeling of protein sequence and biophysical properties (such as structural, functional, and spatial information, amino acid conservation, physicochemical variation, residue mobility, and thermodynamic stability) indicates that this missense variant is not expected to disrupt MCM4 protein function with a negative predictive value of 80%. In summary, the available evidence is currently insufficient to determine the role of this variant in disease. Therefore, it has been classified as a Variant of Uncertain Significance.

Ambry Genetics
Classification: Uncertain significance. Last evaluated: 2022-03-16. Review status: criteria provided, single submitter. Criteria: Ambry Variant Classification Scheme 2023. Collection method: clinical testing. Allele origin: germline.

NM_182746.3(MCM4):c.1496A>G (p.Lys499Arg)

Gene: MCM4 (minichromosome maintenance complex component 4; plus strand). Cytogenetic location: 8q11.21.
Variant type: single nucleotide variant.
Coding change: c.1496A>G on transcript NM_182746.3 (MANE Select); coding-DNA position 1496, A replaced by G.
Protein change: p.Lys499Arg; replaces lysine 499 with arginine.
Molecular consequence: missense variant.
Genome position (GRCh38, 1-based): chr8:47,970,572, A>G. VCF-style: chr8-47970572-A-G. GRCh37 (hg19) VCF-style: chr8-48883132-A-G.
Other names: c.1496A>G, p.Lys499Arg (NM_005914.4); c.1496A>G (NM_005914.3); short protein forms K499R.
Identifiers: ClinVar variation 1366570 (VCV001366570.6), dbSNP rs199504131, ClinGen allele CA4742638.